The following is an entry in ClinVar:

NM_006565.4(CTCF):c.906A>G (p.Ala302=)

Gene: CTCF (CCCTC-binding factor; plus strand). Cytogenetic location: 16q22.1.
Variant type: single nucleotide variant.
Coding change: c.906A>G on transcript NM_006565.4 (MANE Select); coding-DNA position 906, A replaced by G.
Protein change: p.Ala302=; no amino-acid change (alanine 302 retained).
Molecular consequence: synonymous variant. On other transcripts: intron variant (1).
Genome position (GRCh38, 1-based): chr16:67,612,075, A>G. VCF-style: chr16-67612075-A-G. GRCh37 (hg19) VCF-style: chr16-67645978-A-G.
Other names: c.906A>G, p.Ala302= (NM_001363916.2); c.-32-4670A>G (NM_001191022.2).
Identifiers: ClinVar variation 3771420 (VCV003771420.13).

ClinVar aggregate classification (germline): Likely benign (1 of 4 stars; one submission).

gnomAD v4.1: 2 of 1,614,226 alleles (0.00012%); highest among the groups gnomAD compares: Non-Finnish European, 0.00017%; no homozygotes.

Submission:

CeGaT Center for Human Genetics Tuebingen
Classification: Likely benign. Last evaluated: 2024-12-01. Review status: criteria provided, single submitter. Criteria: CeGaT Center For Human Genetics Tuebingen Variant Classification Criteria Version 2. Collection method: clinical testing. Allele origin: germline. Affected: yes. Observed: 1 variant allele.
Comment: CTCF: BP4, BP7